The following is an entry in ClinVar:

ClinVar aggregate classification (germline): Uncertain significance. Review status: criteria provided, multiple submitters, no conflicts (2 of 4 stars). 4 submissions from 4 submitters: Uncertain significance (4). Last evaluated 2025-05-25.

Conditions:
X-linked agammaglobulinemia with growth hormone deficiency (IGHD3). Also called: FLEISHER SYNDROME; HYPOGAMMAGLOBULINEMIA AND ISOLATED GROWTH HORMONE DEFICIENCY, X-LINKED; IGHD III; ISOLATED GROWTH HORMONE DEFICIENCY, TYPE III, WITH AGAMMAGLOBULINEMIA; AGAMMAGLOBULINEMIA AND ISOLATED GROWTH HORMONE DEFICIENCY, X-LINKED; Isolated growth hormone deficiency type 3. Identifiers: Orphanet 231692, Orphanet 631, MedGen C0472813, MONDO:0010615, OMIM 307200.
BTK-related disorder. Also called: BTK-related condition.

Allele frequency attached by ClinVar (database versions not stated): ExAC 0.00001; gnomAD 0.00001; gnomAD exomes 0.00001 and 0.00003; TOPMed 0.00001; 1000 Genomes Project 30x 0.00021; 1000 Genomes Project 0.00026.
gnomAD v4.1: 34 of 1,210,351 alleles (0.0028%); highest among the groups gnomAD compares: Non-Finnish European, 0.0034%; no homozygotes.

Submissions (4):

Labcorp Genetics (formerly Invitae), Labcorp
Classification: Uncertain significance for X-linked agammaglobulinemia with growth hormone deficiency. Last evaluated: 2025-05-25. Review status: criteria provided, single submitter. Criteria: Invitae Variant Classification Sherloc (09022015). Collection method: clinical testing. Allele origin: germline.
Comment: This sequence change replaces isoleucine, which is neutral and non-polar, with threonine, which is neutral and polar, at codon 443 of the BTK protein (p.Ile443Thr). This variant is present in population databases (rs782133950, gnomAD 0.005%), including at least one homozygous and/or hemizygous individual. This variant has not been reported in the literature in individuals affected with BTK-related conditions. ClinVar contains an entry for this variant (Variation ID: 958757). Invitae Evidence Modeling of protein sequence and biophysical properties (such as structural, functional, and spatial information, amino acid conservation, physicochemical variation, residue mobility, and thermodynamic stability) indicates that this missense variant is expected to disrupt BTK protein function with a positive predictive value of 95%. In summary, the available evidence is currently insufficient to determine the role of this variant in disease. Therefore, it has been classified as a Variant of Uncertain Significance.

Revvity Omics, Revvity
Classification: Uncertain significance. Last evaluated: 2024-01-16. Review status: criteria provided, single submitter. Criteria: ACMG Guidelines, 2015. Collection method: clinical testing. Allele origin: germline.

PreventionGenetics, part of Exact Sciences
Classification: Uncertain significance for BTK-related condition. Last evaluated: 2023-07-31. Review status: criteria provided, single submitter. Criteria: ACMG Guidelines, 2015. Collection method: clinical testing. Allele origin: germline.
Comment: The BTK c.1328T>C variant is predicted to result in the amino acid substitution p.Ile443Thr. To our knowledge, this variant has not been reported in the literature. This variant is reported in 0.0052% of alleles in individuals of South Asian descent in gnomAD, including one hemizygous individual of European (non-Finish descent). At this time, the clinical significance of this variant is uncertain due to the absence of conclusive functional and genetic evidence.

Blueprint Genetics
Classification: Uncertain significance. Last evaluated: 2022-10-06. Review status: criteria provided, single submitter. Criteria: ACMG Guidelines, 2015. Collection method: clinical testing. Allele origin: germline.

NM_000061.3(BTK):c.1328T>C (p.Ile443Thr)

Gene: BTK (Bruton tyrosine kinase; minus strand). Cytogenetic location: Xq22.1.
Variant type: single nucleotide variant.
Coding change: c.1328T>C on transcript NM_000061.3 (MANE Select); coding-DNA position 1328, T replaced by C.
Protein change: p.Ile443Thr; replaces isoleucine 443 with threonine.
Molecular consequence: missense variant. On other transcripts: intron variant (1).
Genome position (GRCh38, 1-based): chrX:101,356,805, A>G on the plus strand (T>C on the coding strand, the complement: BTK is on the minus strand). VCF-style: chrX-101356805-A-G. GRCh37 (hg19) VCF-style: chrX-100611793-A-G.
Other names: c.1430T>C, p.Ile477Thr (NM_001287344.2); c.1038+1569T>C (NM_001287345.2); short protein forms I477T, I443T.
Identifiers: ClinVar variation 958757 (VCV000958757.12), dbSNP rs782133950, ClinGen allele CA10473028.